The following is an entry in ClinVar:

ClinVar aggregate classification (germline): Uncertain significance. Review status: criteria provided, multiple submitters, no conflicts (2 of 4 stars). 2 submissions from 2 submitters: Uncertain significance (2). Last evaluated 2025-08-10.

Conditions:
Lethal congenital glycogen storage disease of heart. Also called: GLYCOGEN STORAGE DISEASE OF HEART; PHOSPHORYLASE KINASE DEFICIENCY OF HEART. Identifiers: Orphanet 439854, MedGen C1849813, MONDO:0009867, OMIM 261740.
Cardiomyopathy (CMYO). Also called: Cardiomyopathies. Identifiers: Orphanet 167848, MedGen C0878544, MONDO:0004994, HP:0001638. Inheritance: Various modes of inheritance.

Submissions (2):

Color Diagnostics, LLC DBA Color Health
Classification: Uncertain significance for Cardiomyopathy. Last evaluated: 2025-08-10. Review status: criteria provided, single submitter. Criteria: ACMG Guidelines, 2015. Collection method: clinical testing. Allele origin: germline.
Comment: This missense variant replaces asparagine with serine at codon 139 of the PRKAG2 protein. Computational prediction suggests that this variant may not impact protein structure and function. To our knowledge, functional studies have not been reported for this variant. This variant has not been reported in individuals affected with PRKAG2-related disorders in the literature. This variant has not been identified in the general population by the Genome Aggregation Database (gnomAD). The available evidence is insufficient to determine the role of this variant in disease conclusively. Therefore, this variant is classified as a Variant of Uncertain Significance.

Labcorp Genetics (formerly Invitae), Labcorp
Classification: Uncertain significance for Lethal congenital glycogen storage disease of heart. Last evaluated: 2023-12-11. Review status: criteria provided, single submitter. Criteria: Invitae Variant Classification Sherloc (09022015). Collection method: clinical testing. Allele origin: germline.
Comment: This sequence change replaces asparagine, which is neutral and polar, with serine, which is neutral and polar, at codon 139 of the PRKAG2 protein (p.Asn139Ser). This variant is not present in population databases (gnomAD no frequency). This variant has not been reported in the literature in individuals affected with PRKAG2-related conditions. ClinVar contains an entry for this variant (Variation ID: 1520365). Advanced modeling of protein sequence and biophysical properties (such as structural, functional, and spatial information, amino acid conservation, physicochemical variation, residue mobility, and thermodynamic stability) performed at Invitae indicates that this missense variant is not expected to disrupt PRKAG2 protein function with a negative predictive value of 95%. In summary, the available evidence is currently insufficient to determine the role of this variant in disease. Therefore, it has been classified as a Variant of Uncertain Significance.

NM_016203.4(PRKAG2):c.416A>G (p.Asn139Ser)

Gene: PRKAG2 (protein kinase AMP-activated non-catalytic subunit gamma 2; minus strand). Cytogenetic location: 7q36.1.
Variant type: single nucleotide variant.
Coding change: c.416A>G on transcript NM_016203.4 (MANE Select); coding-DNA position 416, A replaced by G.
Protein change: p.Asn139Ser; replaces asparagine 139 with serine.
Molecular consequence: missense variant.
Genome position (GRCh38, 1-based): chr7:151,781,202, T>C on the plus strand (A>G on the coding strand, the complement: PRKAG2 is on the minus strand). VCF-style: chr7-151781202-T-C. GRCh37 (hg19) VCF-style: chr7-151478288-T-C.
Other names: c.284A>G, p.Asn95Ser (NM_001040633.2); short protein forms N95S, N139S.
Identifiers: ClinVar variation 1520365 (VCV001520365.8), dbSNP rs1042047141, ClinGen allele CA169171941.
Genomic context (GRCh38, chr7:151,781,202, plus strand): 5'-AAGGTCTTACTTTTTCTGGAGCGGGAGAAAAACCTGATGCCCCCGGGCGAGGTAGCAGGG[T>C]TGGAGTTGGGGGAAGACTCTTTGGAGGAGGAGCGGAAGATCCCACTGAAGCTCATGCGTC-3'
Protein context (NP_057287.2, residues 129-149): SSSKESSPNS[Asn139Ser]PATSPGGIRF